The following is an entry in ClinVar:

ClinVar aggregate classification (germline): Likely benign (1 of 4 stars; one submission).

Conditions:
Familial cancer of breast. Also called: hereditary breast carcinoma; BREAST CANCER, FAMILIAL; Hereditary breast cancer. Identifiers: Orphanet 227535, MedGen C0346153, MONDO:0016419, OMIM 114480. Disease mechanism: loss of function.

Allele frequency attached by ClinVar (database versions not stated): TOPMed below 0.00001.

Submission:

Myriad Genetics, Inc.
Classification: Likely benign for Familial cancer of breast. Last evaluated: 2024-06-20. Review status: criteria provided, single submitter. Criteria: Myriad Autosomal Dominant, Autosomal Recessive and X-Linked Classification Criteria (2023). Collection method: clinical testing. Allele origin: unknown.
Comment: This variant is considered likely benign. This variant is intronic and is not expected to impact mRNA splicing.

NM_000051.4(ATM):c.8584+6C>T

Genes: ATM (ATM serine/threonine kinase; plus strand), C11orf65 (chromosome 11 open reading frame 65; minus strand). Cytogenetic location: 11q22.3.
Variant type: single nucleotide variant.
Coding change: c.8584+6C>T on transcript NM_000051.4 (MANE Select); 6 bases into the intron after coding-DNA position 8584, C replaced by T.
Molecular consequence: intron variant.
Genome position (GRCh38, 1-based): chr11:108,345,914, C>T. VCF-style: chr11-108345914-C-T. GRCh37 (hg19) VCF-style: chr11-108216641-C-T.
Other names: c.8584+6C>T (NM_001351834.2); c.641-36843G>A (NM_001330368.2); c.695-10622G>A (NM_001351110.2).
Identifiers: ClinVar variation 3253790 (VCV003253790.1), dbSNP rs863224300.